The following is an entry in ClinVar:

ClinVar aggregate classification (germline): Uncertain significance (1 of 4 stars; one submission).

Conditions:
Hereditary cancer-predisposing syndrome. Also called: Neoplastic Syndromes, Hereditary; Tumor predisposition; Hereditary neoplastic syndrome; Hereditary Cancer Syndrome. Identifiers: Orphanet 140162, MedGen C0027672, MeSH D009386, MONDO:0015356.

Allele frequency attached by ClinVar (database versions not stated): TOPMed below 0.00001.

Submission:

Ambry Genetics
Classification: Uncertain significance for Hereditary cancer-predisposing syndrome. Last evaluated: 2022-12-24. Review status: criteria provided, single submitter. Criteria: Ambry Variant Classification Scheme 2023. Collection method: clinical testing. Allele origin: germline.
Comment: The p.H993Y variant (also known as c.2977C>T), located in coding exon 19 of the RAD50 gene, results from a C to T substitution at nucleotide position 2977. The histidine at codon 993 is replaced by tyrosine, an amino acid with similar properties. This amino acid position is conserved. In addition, this alteration is predicted to be tolerated by in silico analysis. Since supporting evidence is limited at this time, the clinical significance of this alteration remains unclear.

NM_005732.4(RAD50):c.2977C>T (p.His993Tyr)

Gene: RAD50 (RAD50 double strand break repair protein; plus strand). Cytogenetic location: 5q31.1.
Variant type: single nucleotide variant.
Coding change: c.2977C>T on transcript NM_005732.4 (MANE Select); coding-DNA position 2977, C replaced by T.
Protein change: p.His993Tyr; replaces histidine 993 with tyrosine.
Molecular consequence: missense variant.
Genome position (GRCh38, 1-based): chr5:132,609,337, C>T. VCF-style: chr5-132609337-C-T. GRCh37 (hg19) VCF-style: chr5-131945029-C-T.
Other names: short protein forms H993Y.
Identifiers: ClinVar variation 2451414 (VCV002451414.2), dbSNP rs876660692, ClinGen allele CA127260933.